The following is an entry in ClinVar:

ClinVar aggregate classification (germline): Uncertain significance. Review status: criteria provided, multiple submitters, no conflicts (2 of 4 stars). 2 submissions from 2 submitters: Uncertain significance (2). Last evaluated 2023-03-14.

Conditions:
Hereditary cancer-predisposing syndrome. Also called: Neoplastic Syndromes, Hereditary; Tumor predisposition; Hereditary Cancer Syndrome; Hereditary neoplastic syndrome. Identifiers: Orphanet 140162, MedGen C0027672, MeSH D009386, MONDO:0015356.
Bloom syndrome (BLM). Also called: Bloom-Torre-Machacek syndrome. Identifiers: Orphanet 125, MedGen C0005859, MONDO:0008876, OMIM 210900.

Submissions (2):

Labcorp Genetics (formerly Invitae), Labcorp
Classification: Uncertain significance for Bloom syndrome. Last evaluated: 2023-03-14. Review status: criteria provided, single submitter. Criteria: Invitae Variant Classification Sherloc (09022015). Collection method: clinical testing. Allele origin: germline.
Comment: This sequence change replaces serine, which is neutral and polar, with arginine, which is basic and polar, at codon 1310 of the BLM protein (p.Ser1310Arg). This variant is not present in population databases (gnomAD no frequency). In summary, the available evidence is currently insufficient to determine the role of this variant in disease. Therefore, it has been classified as a Variant of Uncertain Significance. Advanced modeling of protein sequence and biophysical properties (such as structural, functional, and spatial information, amino acid conservation, physicochemical variation, residue mobility, and thermodynamic stability) performed at Invitae indicates that this missense variant is not expected to disrupt BLM protein function. ClinVar contains an entry for this variant (Variation ID: 1736271). This variant has not been reported in the literature in individuals affected with BLM-related conditions.

Ambry Genetics
Classification: Uncertain significance for Hereditary cancer-predisposing syndrome. Last evaluated: 2022-07-11. Review status: criteria provided, single submitter. Criteria: Ambry Variant Classification Scheme 2023. Collection method: clinical testing. Allele origin: germline.
Comment: The p.S1310R variant (also known as c.3930T>A), located in coding exon 20 of the BLM gene, results from a T to A substitution at nucleotide position 3930. The serine at codon 1310 is replaced by arginine, an amino acid with dissimilar properties. This amino acid position is conserved. In addition, this alteration is predicted to be tolerated by in silico analysis. Since supporting evidence is limited at this time, the clinical significance of this alteration remains unclear.

NM_000057.4(BLM):c.3930T>A (p.Ser1310Arg)

Gene: BLM (BLM RecQ like helicase; plus strand). Cytogenetic location: 15q26.1.
Variant type: single nucleotide variant.
Coding change: c.3930T>A on transcript NM_000057.4 (MANE Select); coding-DNA position 3930, T replaced by A.
Protein change: p.Ser1310Arg; replaces serine 1310 with arginine.
Molecular consequence: missense variant.
Genome position (GRCh38, 1-based): chr15:90,811,260, T>A. VCF-style: chr15-90811260-T-A. GRCh37 (hg19) VCF-style: chr15-91354490-T-A.
Other names: c.3930T>A, p.Ser1310Arg (NM_001287246.2); c.3537T>A, p.Ser1179Arg (NM_001287247.2); c.2805T>A, p.Ser935Arg (NM_001287248.2); short protein forms S1310R, S1179R, S935R.
Identifiers: ClinVar variation 1736271 (VCV001736271.5), dbSNP rs886051552, ClinGen allele CA393850665.